The following is an entry in ClinVar:

NM_000038.6(APC):c.1963A>C (p.Ile655Leu)

Gene: APC (APC regulator of Wnt signaling pathway; plus strand). Cytogenetic location: 5q22.2.
Variant type: single nucleotide variant.
Coding change: c.1963A>C on transcript NM_000038.6 (MANE Select); coding-DNA position 1963, A replaced by C.
Protein change: p.Ile655Leu; replaces isoleucine 655 with leucine.
Molecular consequence: missense variant.
Genome position (GRCh38, 1-based): chr5:112,837,557, A>C. VCF-style: chr5-112837557-A-C. GRCh37 (hg19) VCF-style: chr5-112173254-A-C.
Other names: c.1963A>C, p.Ile655Leu (NM_001127510.3, NM_001354895.2); c.1909A>C, p.Ile637Leu (NM_001127511.3); c.2017A>C, p.Ile673Leu (NM_001354896.2); c.1993A>C, p.Ile665Leu (NM_001354897.2); c.1888A>C, p.Ile630Leu (NM_001354898.2); c.1879A>C, p.Ile627Leu (NM_001354899.2); c.1840A>C, p.Ile614Leu (NM_001354900.2); c.1786A>C, p.Ile596Leu (NM_001354901.2); and 5 more; short protein forms I372L, I495L, I529L, I554L, I564L, I596L, I614L, I627L.
Identifiers: ClinVar variation 1014449 (VCV001014449.12), dbSNP rs1765072077, ClinGen allele CA16025608.
Genomic context (GRCh38, chr5:112,837,557, plus strand): 5'-TTGTTACTGCATACACATTGTGACCTTAATTTTGTGATCTCTTGATTTTATTTCAGGCAA[A>C]TCCTAAGAGAGAACAACTGTCTACAAACTTTATTACAACACTTAAAATCTCATAGTTTGA-3'
Protein context (NP_000029.2, residues 645-665): LIATNEDHRQ[Ile655Leu]LRENNCLQTL

ClinVar aggregate classification (germline): Uncertain significance. Review status: criteria provided, multiple submitters, no conflicts (2 of 4 stars). 3 submissions from 3 submitters: Uncertain significance (3). Last evaluated 2024-04-11.

Conditions:
Hereditary cancer-predisposing syndrome. Also called: Hereditary Cancer Syndrome; Tumor predisposition; Neoplastic Syndromes, Hereditary; Hereditary neoplastic syndrome. Identifiers: Orphanet 140162, MedGen C0027672, MeSH D009386, MONDO:0015356.
Familial adenomatous polyposis 1 (FAP1). Also called: FAMILIAL ADENOMATOUS POLYPOSIS 1, ATTENUATED; POLYPOSIS, ADENOMATOUS INTESTINAL. Identifiers: MedGen C2713442, MONDO:0021056, OMIM 175100. Disease mechanism: loss of function.

Submissions (3):

Labcorp Genetics (formerly Invitae), Labcorp
Classification: Uncertain significance for Familial adenomatous polyposis 1. Last evaluated: 2024-04-11. Review status: criteria provided, single submitter. Criteria: Invitae Variant Classification Sherloc (09022015). Collection method: clinical testing. Allele origin: germline.
Comment: This sequence change replaces isoleucine, which is neutral and non-polar, with leucine, which is neutral and non-polar, at codon 655 of the APC protein (p.Ile655Leu). This variant is not present in population databases (gnomAD no frequency). This variant has not been reported in the literature in individuals affected with APC-related conditions. ClinVar contains an entry for this variant (Variation ID: 1014449). Advanced modeling of protein sequence and biophysical properties (such as structural, functional, and spatial information, amino acid conservation, physicochemical variation, residue mobility, and thermodynamic stability) performed at Invitae indicates that this missense variant is not expected to disrupt APC protein function with a negative predictive value of 95%. In summary, the available evidence is currently insufficient to determine the role of this variant in disease. Therefore, it has been classified as a Variant of Uncertain Significance.

Ambry Genetics
Classification: Uncertain significance for Hereditary cancer-predisposing syndrome. Last evaluated: 2023-12-12. Review status: criteria provided, single submitter. Criteria: Ambry Variant Classification Scheme 2023. Collection method: clinical testing. Allele origin: germline.
Comment: The p.I655L variant (also known as c.1963A>C), located in coding exon 15 of the APC gene, results from an A to C substitution at nucleotide position 1963. The isoleucine at codon 655 is replaced by leucine, an amino acid with highly similar properties. This amino acid position is well conserved in available vertebrate species. In addition, in silico predictors for this gene do not accurately predict pathogenicity. Since supporting evidence is limited at this time, the clinical significance of this alteration remains unclear.

Quest Diagnostics Nichols Institute San Juan Capistrano
Classification: Uncertain significance. Last evaluated: 2023-08-14. Review status: criteria provided, single submitter. Criteria: Quest Diagnostics criteria. Collection method: clinical testing. Allele origin: unknown.
Comment: To the best of our knowledge, this variant has not been reported in APC-related conditions in the published literature. It also has not been reported in large, multi-ethnic general populations (Genome Aggregation Database). Analysis of this variant using bioinformatics tools for the prediction of the effect of amino acid changes on protein structure and function yielded conflicting predictions that this variant is benign or damaging. Based on the available information, we are unable to determine the clinical significance of this variant.